The following is an entry in ClinVar:

NM_001818.5(AKR1C4):c.942T>G (p.His314Gln)

Gene: AKR1C4 (aldo-keto reductase family 1 member C4; plus strand). Cytogenetic location: 10p15.1.
Variant type: single nucleotide variant.
Coding change: c.942T>G on transcript NM_001818.5 (MANE Select); coding-DNA position 942, T replaced by G.
Protein change: p.His314Gln; replaces histidine 314 with glutamine.
Molecular consequence: missense variant.
Genome position (GRCh38, 1-based): chr10:5,218,730, T>G. VCF-style: chr10-5218730-T-G. GRCh37 (hg19) VCF-style: chr10-5260693-T-G.
Other names: short protein forms H314Q.
Identifiers: ClinVar variation 4742747 (VCV004742747.1).
Genomic context (GRCh38, chr10:5,218,730, plus strand): 5'-AATAGAGTCATTTCATCCATATTTATGTACTATCCTTTCTCTTTTCAGTCTTATGGACCA[T>G]CCTGATTATCCATTTTCAGATGAATATTAGCATAGAGGGTGTTGCACGACATCTAGCAGA-3'
Protein context (NP_001809.4, residues 304-323): RYVVMDFLMD[His314Gln]PDYPFSDEY

ClinVar aggregate classification (germline): Uncertain significance (1 of 4 stars; one submission).

gnomAD v4.1: 5 of 1,602,800 alleles (0.00031%); highest among the groups gnomAD compares: Admixed American, 0.0067%; no homozygotes.

Submission:

Labcorp Genetics (formerly Invitae), Labcorp
Classification: Uncertain significance. Last evaluated: 2025-03-04. Review status: criteria provided, single submitter. Criteria: Invitae Variant Classification Sherloc (09022015). Collection method: clinical testing. Allele origin: germline.
Comment: This sequence change replaces histidine, which is basic and polar, with glutamine, which is neutral and polar, at codon 314 of the AKR1C4 protein (p.His314Gln). This variant is present in population databases (no rsID available, gnomAD 0.009%). This variant has not been reported in the literature in individuals affected with AKR1C4-related conditions. An algorithm developed to predict the effect of missense changes on protein structure and function (PolyPhen-2) suggests that this variant is likely to be tolerated. In summary, the available evidence is currently insufficient to determine the role of this variant in disease. Therefore, it has been classified as a Variant of Uncertain Significance.